The following is an entry in ClinVar:

NM_004963.4(GUCY2C):c.2597A>C (p.Tyr866Ser)

Gene: GUCY2C (guanylate cyclase 2C; minus strand). Cytogenetic location: 12p12.3.
Variant type: single nucleotide variant.
Coding change: c.2597A>C on transcript NM_004963.4 (MANE Select); coding-DNA position 2597, A replaced by C.
Protein change: p.Tyr866Ser; replaces tyrosine 866 with serine.
Molecular consequence: missense variant.
Genome position (GRCh38, 1-based): chr12:14,622,009, T>G on the plus strand (A>C on the coding strand, the complement: GUCY2C is on the minus strand). VCF-style: chr12-14622009-T-G. GRCh37 (hg19) VCF-style: chr12-14774943-T-G.
Other names: short protein forms Y866S.
Identifiers: ClinVar variation 2801749 (VCV002801749.3), dbSNP rs767457899, ClinGen allele CA6463043.

ClinVar aggregate classification (germline): Uncertain significance (1 of 4 stars; one submission).

Allele frequency attached by ClinVar (database versions not stated): TOPMed below 0.00001; ExAC 0.00001; gnomAD 0.00001.
gnomAD v4.1: 3 of 1,597,206 alleles (0.00019%); highest among the groups gnomAD compares: Admixed American, 0.0053%; no homozygotes.

Submission:

Labcorp Genetics (formerly Invitae), Labcorp
Classification: Uncertain significance. Last evaluated: 2023-06-15. Review status: criteria provided, single submitter. Criteria: Invitae Variant Classification Sherloc (09022015). Collection method: clinical testing. Allele origin: germline.
Comment: This variant has not been reported in the literature in individuals affected with GUCY2C-related conditions. In summary, the available evidence is currently insufficient to determine the role of this variant in disease. Therefore, it has been classified as a Variant of Uncertain Significance. Advanced modeling of protein sequence and biophysical properties (such as structural, functional, and spatial information, amino acid conservation, physicochemical variation, residue mobility, and thermodynamic stability) performed at Invitae indicates that this missense variant is expected to disrupt GUCY2C protein function. This variant is present in population databases (rs767457899, gnomAD no frequency). This sequence change replaces tyrosine, which is neutral and polar, with serine, which is neutral and polar, at codon 866 of the GUCY2C protein (p.Tyr866Ser).